The following is an entry in ClinVar:

ClinVar aggregate classification (germline): Likely benign. Review status: criteria provided, multiple submitters, no conflicts (2 of 4 stars). 3 submissions from 3 submitters: Likely benign (3). Last evaluated 2025-03-01.

Allele frequency attached by ClinVar (database versions not stated): gnomAD 0.00086 and 0.00089; ESP Exome Variant Server 0.00093; TOPMed 0.00106; gnomAD exomes 0.00127 and 0.00132; ExAC 0.00228.
gnomAD v4.1: 2,048 of 1,603,062 alleles (0.13%); highest among the groups gnomAD compares: Middle Eastern, 0.6%; 8 homozygotes.

Submissions (3):

CeGaT Center for Human Genetics Tuebingen
Classification: Likely benign. Last evaluated: 2025-03-01. Review status: criteria provided, single submitter. Criteria: CeGaT Center For Human Genetics Tuebingen Variant Classification Criteria Version 2. Collection method: clinical testing. Allele origin: germline. Affected: yes. Observed: 2 variant alleles.
Comment: PCM1: BP4, BS2

Labcorp Genetics (formerly Invitae), Labcorp
Classification: Likely benign. Last evaluated: 2018-04-09. Review status: criteria provided, single submitter. Criteria: Invitae Variant Classification Sherloc (09022015). Collection method: clinical testing. Allele origin: germline.

Breakthrough Genomics
Classification: Likely benign. Review status: criteria provided, single submitter. Criteria: ACMG Guidelines, 2015. Collection method: not provided. Allele origin: germline. Inheritance: Unknown mechanism. Affected: yes.

NM_006197.4(PCM1):c.3374A>G (p.Asn1125Ser)

Gene: PCM1 (pericentriolar material 1; plus strand). Cytogenetic location: 8p22.
Variant type: single nucleotide variant.
Coding change: c.3374A>G on transcript NM_006197.4 (MANE Select); coding-DNA position 3374, A replaced by G.
Protein change: p.Asn1125Ser; replaces asparagine 1125 with serine.
Molecular consequence: missense variant. On other transcripts: non-coding transcript variant (1).
Genome position (GRCh38, 1-based): chr8:17,967,132, A>G. VCF-style: chr8-17967132-A-G. GRCh37 (hg19) VCF-style: chr8-17824641-A-G.
Other names: c.3491A>G, p.Asn1164Ser (NM_001352638.2, NM_001352643.2, NM_001352632.2 and 4 more transcripts); c.3374A>G, p.Asn1125Ser (NM_001352639.2, NM_001352641.2, NM_001352642.2 and 13 more transcripts); c.3377A>G, p.Asn1126Ser (NM_001352640.2, NM_001315508.2, NM_001352635.2 and 2 more transcripts); c.3494A>G, p.Asn1165Ser (NM_001352636.2); short protein forms N1126S, N1125S, N1164S, N1165S.
Identifiers: ClinVar variation 719325 (VCV000719325.28), dbSNP rs200319059, ClinGen allele CA4649446.